The following is an entry in ClinVar:

ClinVar aggregate classification (germline): Benign/Likely benign. Review status: criteria provided, multiple submitters, no conflicts (2 of 4 stars). 4 submissions from 4 submitters: Benign (1); Likely benign (3). Last evaluated 2024-05-21.

Conditions:
Hereditary cancer-predisposing syndrome. Also called: Neoplastic Syndromes, Hereditary; Tumor predisposition; Hereditary Cancer Syndrome; Hereditary neoplastic syndrome. Identifiers: Orphanet 140162, MedGen C0027672, MeSH D009386, MONDO:0015356.
Familial cancer of breast. Also called: hereditary breast carcinoma; BREAST CANCER, FAMILIAL; Hereditary breast cancer. Identifiers: Orphanet 227535, MedGen C0346153, MONDO:0016419, OMIM 114480. Disease mechanism: loss of function.
Ataxia-telangiectasia syndrome (AT). Also called: ATAXIA-TELANGIECTASIA, COMPLEMENTATION GROUP A; ATAXIA-TELANGIECTASIA, FRESNO VARIANT; Ataxia-telangiectasia; Ataxia-telangiectasia, complementation group D; AT, COMPLEMENTATION GROUP C; Ataxia-telangiectasia, complementation group E. Identifiers: Orphanet 100, MedGen C0004135, MONDO:0008840, OMIM 208900.

gnomAD v4.1: 1 of 1,610,260 alleles (0.000062%); highest among the groups gnomAD compares: Non-Finnish European, 0.000085%; no homozygotes.

Submissions (4):

Myriad Genetics, Inc.
Classification: Benign for Familial cancer of breast. Last evaluated: 2024-05-21. Review status: criteria provided, single submitter. Criteria: Myriad Autosomal Dominant, Autosomal Recessive and X-Linked Classification Criteria (2023). Collection method: clinical testing. Allele origin: unknown.
Comment: This variant is considered benign. This variant is a silent/synonymous amino acid change and it is not expected to impact splicing.

Ambry Genetics
Classification: Likely benign for Hereditary cancer-predisposing syndrome. Last evaluated: 2022-04-22. Review status: criteria provided, single submitter. Criteria: Ambry Variant Classification Scheme 2023. Collection method: clinical testing. Allele origin: germline.

Labcorp Genetics (formerly Invitae), Labcorp
Classification: Likely benign for Ataxia-telangiectasia syndrome. Last evaluated: 2021-11-29. Review status: criteria provided, single submitter. Criteria: Invitae Variant Classification Sherloc (09022015). Collection method: clinical testing. Allele origin: germline.

GeneDx
Classification: Likely benign. Last evaluated: 2018-01-28. Review status: criteria provided, single submitter. Criteria: GeneDx Variant Classification (06012015). Collection method: clinical testing. Allele origin: germline. Affected: yes.
Comment: This variant is considered likely benign or benign based on one or more of the following criteria: it is a conservative change, it occurs at a poorly conserved position in the protein, it is predicted to be benign by multiple in silico algorithms, and/or has population frequency not consistent with disease.

NM_000051.4(ATM):c.4770C>A (p.Leu1590=)

Gene: ATM (ATM serine/threonine kinase; plus strand). Cytogenetic location: 11q22.3.
Variant type: single nucleotide variant.
Coding change: c.4770C>A on transcript NM_000051.4 (MANE Select); coding-DNA position 4770, C replaced by A.
Protein change: p.Leu1590=; no amino-acid change (leucine 1590 retained).
Molecular consequence: synonymous variant.
Genome position (GRCh38, 1-based): chr11:108,293,471, C>A. VCF-style: chr11-108293471-C-A. GRCh37 (hg19) VCF-style: chr11-108164198-C-A.
Other names: c.4770C>A, p.Leu1590= (NM_001351834.2).
Identifiers: ClinVar variation 515207 (VCV000515207.13), dbSNP rs749475519, ClinGen allele CA476674480.